The following is an entry in ClinVar:

NM_000540.3(RYR1):c.7180G>A (p.Gly2394Ser)

Gene: RYR1 (ryanodine receptor 1; plus strand). Cytogenetic location: 19q13.2.
Variant type: single nucleotide variant.
Coding change: c.7180G>A on transcript NM_000540.3 (MANE Select); coding-DNA position 7180, G replaced by A.
Protein change: p.Gly2394Ser; replaces glycine 2394 with serine.
Molecular consequence: missense variant.
Genome position (GRCh38, 1-based): chr19:38,499,787, G>A. VCF-style: chr19-38499787-G-A. GRCh37 (hg19) VCF-style: chr19-38990427-G-A.
Other names: c.7180G>A, p.Gly2394Ser (NM_001042723.2); short protein forms G2394S.
Identifiers: ClinVar variation 4781797 (VCV004781797.1).

ClinVar aggregate classification (germline): Uncertain significance (1 of 4 stars; one submission).

Conditions:
RYR1-related disorder. Also called: RYR1-related condition; RYR1-related disorders. Identifiers: MedGen CN239331.

gnomAD v4.1: 4 of 1,604,208 alleles (0.00025%); highest among the groups gnomAD compares: East Asian, 0.0067%; no homozygotes.

Submission:

Labcorp Genetics (formerly Invitae), Labcorp
Classification: Uncertain significance for RYR1-related disorder. Last evaluated: 2025-02-13. Review status: criteria provided, single submitter. Criteria: Invitae Variant Classification Sherloc (09022015). Collection method: clinical testing. Allele origin: germline.
Comment: This sequence change replaces glycine, which is neutral and non-polar, with serine, which is neutral and polar, at codon 2394 of the RYR1 protein (p.Gly2394Ser). This variant is not present in population databases (gnomAD no frequency). This variant has not been reported in the literature in individuals affected with RYR1-related conditions. Invitae Evidence Modeling of protein sequence and biophysical properties (such as structural, functional, and spatial information, amino acid conservation, physicochemical variation, residue mobility, and thermodynamic stability) indicates that this missense variant is not expected to disrupt RYR1 protein function with a negative predictive value of 80%. In summary, the available evidence is currently insufficient to determine the role of this variant in disease. Therefore, it has been classified as a Variant of Uncertain Significance.